The following is an entry in ClinVar:

ClinVar aggregate classification (germline): Uncertain significance (1 of 4 stars; one submission).

Conditions:
Glycine encephalopathy. Also called: Non-ketotic hyperglycinemia; Nonketotic hyperglycinemia. Identifiers: Orphanet 407, MedGen C0751748, MONDO:0011612, HP:0008288.

Submission:

Labcorp Genetics (formerly Invitae), Labcorp
Classification: Uncertain significance for Glycine encephalopathy. Last evaluated: 2023-07-07. Review status: criteria provided, single submitter. Criteria: Invitae Variant Classification Sherloc (09022015). Collection method: clinical testing. Allele origin: germline.
Comment: This sequence change replaces glutamine, which is neutral and polar, with lysine, which is basic and polar, at codon 455 of the GLDC protein (p.Gln455Lys). This variant is not present in population databases (gnomAD no frequency). This variant has not been reported in the literature in individuals affected with GLDC-related conditions. ClinVar contains an entry for this variant (Variation ID: 1467089). Advanced modeling of protein sequence and biophysical properties (such as structural, functional, and spatial information, amino acid conservation, physicochemical variation, residue mobility, and thermodynamic stability) performed at Invitae indicates that this missense variant is not expected to disrupt GLDC protein function. In summary, the available evidence is currently insufficient to determine the role of this variant in disease. Therefore, it has been classified as a Variant of Uncertain Significance.

NM_000170.3(GLDC):c.1363C>A (p.Gln455Lys)

Gene: GLDC (glycine decarboxylase; minus strand). Cytogenetic location: 9p24.1.
Variant type: single nucleotide variant.
Coding change: c.1363C>A on transcript NM_000170.3 (MANE Select); coding-DNA position 1363, C replaced by A.
Protein change: p.Gln455Lys; replaces glutamine 455 with lysine.
Molecular consequence: missense variant.
Genome position (GRCh38, 1-based): chr9:6,592,889, G>T on the plus strand (C>A on the coding strand, the complement: GLDC is on the minus strand). VCF-style: chr9-6592889-G-T. GRCh37 (hg19) VCF-style: chr9-6592889-G-T.
Other names: short protein forms Q455K.
Identifiers: ClinVar variation 1467089 (VCV001467089.8), dbSNP rs1818404451, ClinGen allele CA372893972.